The following is an entry in ClinVar:

NM_016604.4(KDM3B):c.4606dup (p.Leu1536fs)

Gene: KDM3B (lysine demethylase 3B; plus strand). Cytogenetic location: 5q31.2.
Variant type: Duplication.
Coding change: c.4606dup on transcript NM_016604.4 (MANE Select); coding-DNA position 4606, one base duplicated (C; older notation c.4606dupC).
Protein change: p.Leu1536fs; shifts the reading frame from leucine 1536.
Molecular consequence: frameshift variant.
Genome position (GRCh38, 1-based): chr5:138,427,292, C duplicated. VCF-style (leftmost placement, unchanged base first): chr5-138427291-T-TC. GRCh37 (hg19) VCF-style: chr5-137762980-T-TC.
Other names: short protein forms L1536fs.
Identifiers: ClinVar variation 4042251 (VCV004042251.1).

ClinVar aggregate classification (germline): Pathogenic (1 of 4 stars; one submission).

Conditions:
Inborn genetic diseases. Identifiers: MedGen C0950123, MeSH D030342.

Submission:

Ambry Genetics
Classification: Pathogenic for Inborn genetic diseases. Last evaluated: 2025-06-13. Review status: criteria provided, single submitter. Criteria: Ambry Variant Classification Scheme 2023. Collection method: clinical testing. Allele origin: germline.
Comment: The c.4606dupC (p.L1536Pfs*17) alteration, located in exon 19 (coding exon 19) of the KDM3B gene, consists of a duplication of C at position 4606, causing a translational frameshift with a predicted alternate stop codon after 17 amino acids. This alteration is expected to result in loss of function by premature protein truncation or nonsense-mediated mRNA decay. This variant was not reported in population-based cohorts in the Genome Aggregation Database (gnomAD). Based on the available evidence, this alteration is classified as pathogenic.